The following is an entry in ClinVar:

NM_005660.3(SLC35A2):c.1042A>G (p.Ile348Val)

Gene: SLC35A2 (solute carrier family 35 member A2; minus strand). Cytogenetic location: Xp11.23.
Variant type: single nucleotide variant.
Coding change: c.1042A>G on transcript NM_005660.3 (MANE Select); coding-DNA position 1042, A replaced by G.
Protein change: p.Ile348Val; replaces isoleucine 348 with valine.
Molecular consequence: missense variant.
Genome position (GRCh38, 1-based): chrX:48,904,867, T>C on the plus strand (A>G on the coding strand, the complement: SLC35A2 is on the minus strand). VCF-style: chrX-48904867-T-C. GRCh37 (hg19) VCF-style: chrX-48762144-T-C.
Other names: c.1042A>G (NM_001042498.2); c.452A>G, p.His151Arg (NM_001032289.3, NM_001282647.2); c.1042A>G, p.Ile348Val (NM_001042498.3); c.380A>G, p.His127Arg (NM_001282648.2); c.859A>G, p.Ile287Val (NM_001282649.2); c.1081A>G, p.Ile361Val (NM_001282650.2); c.1126A>G, p.Ile376Val (NM_001282651.2); short protein forms H127R, I348V, I361V, H151R, I287V, I376V.
Identifiers: ClinVar variation 1912046 (VCV001912046.29), dbSNP rs1557042717, ClinGen allele CA412894366.

ClinVar aggregate classification (germline): Benign/Likely benign. Review status: criteria provided, multiple submitters, no conflicts (2 of 4 stars). 3 submissions from 3 submitters: Benign (1); Likely benign (1). 1 of the submissions does not count toward it. Last evaluated 2023-10-01.

Conditions:
SLC35A2-related disorder. Also called: SLC35A2-related condition.
SLC35A2-congenital disorder of glycosylation. Also called: EPILEPTIC ENCEPHALOPATHY, EARLY INFANTILE, 22; CONGENITAL DISORDER OF GLYCOSYLATION, TYPE IIm; CDG IIm; CONGENITAL DISORDER OF GLYCOSYLATION, TYPE IIm, SOMATIC MOSAIC; DEVELOPMENTAL AND EPILEPTIC ENCEPHALOPATHY 22; SLC35A2-CDG. Identifiers: Orphanet 356961, MedGen C3806688, MONDO:0010478, OMIM 300896.

Allele frequency attached by ClinVar (database versions not stated): TOPMed 0.00001; gnomAD exomes 0.00002.
gnomAD v4.1: 24 of 1,211,540 alleles (0.002%); highest among the groups gnomAD compares: Non-Finnish European, 0.0023%; no homozygotes.

Submissions (3):

CeGaT Center for Human Genetics Tuebingen
Classification: Likely benign. Last evaluated: 2023-10-01. Review status: criteria provided, single submitter. Criteria: CeGaT Center For Human Genetics Tuebingen Variant Classification Criteria Version 2. Collection method: clinical testing. Allele origin: germline. Affected: yes. Observed: 1 variant allele.
Comment: SLC35A2: BP4

Labcorp Genetics (formerly Invitae), Labcorp
Classification: Benign for SLC35A2-congenital disorder of glycosylation. Last evaluated: 2022-08-23. Review status: criteria provided, single submitter. Criteria: Invitae Variant Classification Sherloc (09022015). Collection method: clinical testing. Allele origin: germline.

PreventionGenetics, part of Exact Sciences
Classification: Benign for SLC35A2-related condition. Last evaluated: 2024-07-02. Review status: no assertion criteria provided. Collection method: clinical testing. Allele origin: germline. Not counted in ClinVar's aggregate classification.
Comment: This variant is classified as benign based on ACMG/AMP sequence variant interpretation guidelines (Richards et al. 2015 PMID: 25741868, with internal and published modifications).